The following is an entry in ClinVar:

ClinVar aggregate classification (germline): Uncertain significance (1 of 4 stars; one submission).

Submission:

Labcorp Genetics (formerly Invitae), Labcorp
Classification: Uncertain significance. Last evaluated: 2023-02-07. Review status: criteria provided, single submitter. Criteria: Invitae Variant Classification Sherloc (09022015). Collection method: clinical testing. Allele origin: germline.
Comment: In summary, the available evidence is currently insufficient to determine the role of this variant in disease. Therefore, it has been classified as a Variant of Uncertain Significance. Variants that disrupt the consensus splice site are a relatively common cause of aberrant splicing (PMID: 17576681, 9536098). Algorithms developed to predict the effect of sequence changes on RNA splicing suggest that this variant is not likely to affect RNA splicing. This sequence change falls in intron 16 of the KMT2E gene. It does not directly change the encoded amino acid sequence of the KMT2E protein. It affects a nucleotide within the consensus splice site. This variant is not present in population databases (gnomAD no frequency). This variant has not been reported in the literature in individuals affected with KMT2E-related conditions.

Literature cited by the submitters: PubMed 17576681; PubMed 9536098.

NM_182931.3(KMT2E):c.1887+6A>C

Gene: KMT2E (lysine methyltransferase 2E (inactive); plus strand). Cytogenetic location: 7q22.3.
Variant type: single nucleotide variant.
Coding change: c.1887+6A>C on transcript NM_182931.3 (MANE Select); 6 bases into the intron after coding-DNA position 1887, A replaced by C.
Molecular consequence: intron variant.
Genome position (GRCh38, 1-based): chr7:105,101,595, A>C. VCF-style: chr7-105101595-A-C. GRCh37 (hg19) VCF-style: chr7-104742042-A-C.
Other names: c.1887+6A>C (NM_001410908.1, NM_018682.4).
Identifiers: ClinVar variation 3692517 (VCV003692517.2).